The following is an entry in ClinVar:

ClinVar aggregate classification (germline): Uncertain significance. Review status: criteria provided, multiple submitters, no conflicts (2 of 4 stars). 2 submissions from 2 submitters: Uncertain significance (2). Last evaluated 2022-06-11.

Submissions (2):

Labcorp Genetics (formerly Invitae), Labcorp
Classification: Uncertain significance. Last evaluated: 2022-06-11. Review status: criteria provided, single submitter. Criteria: Invitae Variant Classification Sherloc (09022015). Collection method: clinical testing. Allele origin: germline.
Comment: This variant has not been reported in the literature in individuals affected with PLA2G5-related conditions. In summary, the available evidence is currently insufficient to determine the role of this variant in disease. Therefore, it has been classified as a Variant of Uncertain Significance. Experimental studies and prediction algorithms are not available or were not evaluated, and the functional significance of this variant is currently unknown. This variant is not present in population databases (gnomAD no frequency). This sequence change results in a frameshift in the PLA2G5 gene (p.Asn134Thrfs*82). While this is not anticipated to result in nonsense mediated decay, it is expected to disrupt the last 5 amino acid(s) of the PLA2G5 protein and extend the protein by 76 additional amino acid residues.

Blueprint Genetics
Classification: Uncertain significance. Last evaluated: 2022-05-23. Review status: criteria provided, single submitter. Criteria: ACMG Guidelines, 2015. Collection method: clinical testing. Allele origin: germline.

NM_000929.3(PLA2G5):c.399del (p.Asn134fs)

Gene: PLA2G5 (phospholipase A2 group V; plus strand). Cytogenetic location: 1p36.13.
Variant type: Deletion.
Coding change: c.399del on transcript NM_000929.3 (MANE Select); coding-DNA position 399, one base deleted (C; older notation c.399delC).
Protein change: p.Asn134fs; shifts the reading frame from asparagine 134.
Molecular consequence: frameshift variant.
Genome position (GRCh38, 1-based): chr1:20,090,674, C deleted; the last of 3 consecutive C bases (chr1:20,090,672-20,090,674); deleting any one gives the same sequence. VCF-style (leftmost placement, unchanged base first): chr1-20090671-TC-T. GRCh37 (hg19) VCF-style: chr1-20417164-TC-T.
Other names: short protein forms N134fs.
Identifiers: ClinVar variation 1920140 (VCV001920140.6), dbSNP rs2523593212, ClinGen allele CA2580061423.